The following is an entry in ClinVar:

ClinVar aggregate classification (germline): Uncertain significance. Review status: criteria provided, multiple submitters, no conflicts (2 of 4 stars). 2 submissions from 2 submitters: Uncertain significance (2). Last evaluated 2025-04-08.

Conditions:
Familial thoracic aortic aneurysm and aortic dissection (TAAD). Also called: Thoracic aortic aneurysms and dissections. Identifiers: Orphanet 91387, MedGen C4707243, MONDO:0019625.
Aortic aneurysm, familial thoracic 7 (AAT7). Also called: AORTIC DISSECTION, FAMILIAL, WITH OR WITHOUT AORTIC ANEURYSM. Identifiers: MedGen C3151077, MONDO:0013418, OMIM 613780.

Allele frequency attached by ClinVar (database versions not stated): gnomAD 0.00001; TOPMed 0.00001; ExAC 0.00004.
gnomAD v4.1: 6 of 1,600,504 alleles (0.00037%); highest among the groups gnomAD compares: Non-Finnish European, 0.00051%; no homozygotes.

Submissions (2):

Labcorp Genetics (formerly Invitae), Labcorp
Classification: Uncertain significance for Aortic aneurysm, familial thoracic 7. Last evaluated: 2025-04-08. Review status: criteria provided, single submitter. Criteria: Invitae Variant Classification Sherloc (09022015). Collection method: clinical testing. Allele origin: germline.
Comment: This sequence change replaces serine, which is neutral and polar, with isoleucine, which is neutral and non-polar, at codon 1193 of the MYLK protein (p.Ser1193Ile). The frequency data for this variant in the population databases is considered unreliable, as metrics indicate poor data quality at this position in the gnomAD database. This missense change has been observed in individual(s) with clinical features of thoracic aortic aneurysm and dissection (PMID: 29543232). ClinVar contains an entry for this variant (Variation ID: 1732845). Invitae Evidence Modeling of protein sequence and biophysical properties (such as structural, functional, and spatial information, amino acid conservation, physicochemical variation, residue mobility, and thermodynamic stability) indicates that this missense variant is not expected to disrupt MYLK protein function with a negative predictive value of 80%. In summary, the available evidence is currently insufficient to determine the role of this variant in disease. Therefore, it has been classified as a Variant of Uncertain Significance.

Ambry Genetics
Classification: Uncertain significance for Familial thoracic aortic aneurysm and aortic dissection. Last evaluated: 2022-08-19. Review status: criteria provided, single submitter. Criteria: Ambry Variant Classification Scheme 2023. Collection method: clinical testing. Allele origin: germline.
Comment: The p.S1193I variant (also known as c.3578G>T), located in coding exon 17 of the MYLK gene, results from a G to T substitution at nucleotide position 3578. The serine at codon 1193 is replaced by isoleucine, an amino acid with dissimilar properties. This alteration has been reported in a thoracic aortic aneurysm and dissection (TAAD) cohort (Weerakkody R et al. Genet Med, 2018 11;20:1414-1422). This amino acid position is not well conserved in available vertebrate species. In addition, this alteration is predicted to be tolerated by in silico analysis. Since supporting evidence is limited at this time, the clinical significance of this alteration remains unclear.

Literature cited by the submitters: PubMed 29543232 (cited by Labcorp Genetics (formerly Invitae), Labcorp and Ambry Genetics).

NM_053025.4(MYLK):c.3578G>T (p.Ser1193Ile)

Gene: MYLK (myosin light chain kinase; minus strand). Cytogenetic location: 3q21.1.
Variant type: single nucleotide variant.
Coding change: c.3578G>T on transcript NM_053025.4 (MANE Select); coding-DNA position 3578, G replaced by T.
Protein change: p.Ser1193Ile; replaces serine 1193 with isoleucine.
Molecular consequence: missense variant.
Genome position (GRCh38, 1-based): chr3:123,682,298, C>A on the plus strand (G>T on the coding strand, the complement: MYLK is on the minus strand). VCF-style: chr3-123682298-C-A. GRCh37 (hg19) VCF-style: chr3-123401145-C-A.
Other names: c.3050G>T, p.Ser1017Ile (NM_001321309.2); c.3371G>T, p.Ser1124Ile (NM_053026.4, NM_053028.4); c.3578G>T, p.Ser1193Ile (NM_053027.4); short protein forms S1193I, S1017I, S1124I.
Identifiers: ClinVar variation 1732845 (VCV001732845.5), dbSNP rs776724662, ClinGen allele CA069859.